The following is an entry in ClinVar:

NM_198407.2(GHSR):c.575C>T (p.Pro192Leu)

Gene: GHSR (growth hormone secretagogue receptor; minus strand). Cytogenetic location: 3q26.31.
Variant type: single nucleotide variant.
Coding change: c.575C>T on transcript NM_198407.2 (MANE Select); coding-DNA position 575, C replaced by T.
Protein change: p.Pro192Leu; replaces proline 192 with leucine.
Molecular consequence: missense variant.
Genome position (GRCh38, 1-based): chr3:172,447,839, G>A on the plus strand (C>T on the coding strand, the complement: GHSR is on the minus strand). VCF-style: chr3-172447839-G-A. GRCh37 (hg19) VCF-style: chr3-172165629-G-A.
Other names: c.575C>T, p.Pro192Leu (NM_004122.2); short protein forms P192L.
Identifiers: ClinVar variation 3361820 (VCV003361820.2).
Genomic context (GRCh38, chr3:172,447,839, plus strand): 5'-ACCGTGAGCAGTCCAGAGCGCACCGCAAACTCGGTGGGGCGGCACTCGTTGGTGTCCCAA[G>A]GGTCGGTGCCGTTCTCGTGCTCCACCCCGACTAGCACGAAGATGGGCCCGGCGCTGCAGA-3'
Protein context (NP_940799.1, residues 182-202): VGVEHENGTD[Pro192Leu]WDTNECRPTE

ClinVar aggregate classification (germline): Uncertain significance (1 of 4 stars; one submission).

Submission:

GeneDx
Classification: Uncertain significance. Last evaluated: 2026-06-15. Review status: criteria provided, single submitter. Criteria: GeneDx Variant Classification Process June 2021. Collection method: clinical testing. Allele origin: germline.
Comment: Not observed at significant frequency in large population cohorts (gnomAD); In silico analysis supports that this missense variant has a deleterious effect on protein structure/function; Has not been previously published as pathogenic or benign to our knowledge